The following is an entry in ClinVar:

NM_004168.4(SDHA):c.597G>T (p.Ser199=)

Gene: SDHA (succinate dehydrogenase complex flavoprotein subunit A; plus strand). Cytogenetic location: 5p15.33.
Variant type: single nucleotide variant.
Coding change: c.597G>T on transcript NM_004168.4 (MANE Select); coding-DNA position 597, G replaced by T.
Protein change: p.Ser199=; no amino-acid change (serine 199 retained).
Molecular consequence: synonymous variant.
Genome position (GRCh38, 1-based): chr5:226,023, G>T. VCF-style: chr5-226023-G-T. GRCh37 (hg19) VCF-style: chr5-226138-G-T.
Other names: c.597G>T, p.Ser199= (NM_001330758.2); c.453G>T, p.Ser151= (NM_001294332.2).
Identifiers: ClinVar variation 1107058 (VCV001107058.10), dbSNP rs141874250, ClinGen allele CA442691160.

ClinVar aggregate classification (germline): Benign/Likely benign. Review status: criteria provided, multiple submitters, no conflicts (2 of 4 stars). 2 submissions from 2 submitters: Benign (1); Likely benign (1). Last evaluated 2025-03-03.

Conditions:
Pheochromocytoma/paraganglioma syndrome 5. Also called: Paragangliomas 5; SDHA-Related Hereditary Paraganglioma-Pheochromocytoma Syndrome. Identifiers: Orphanet 29072, MedGen C3279992, MONDO:0013602, OMIM 614165.
Mitochondrial complex II deficiency, nuclear type 1. Also called: SUCCINATE CoQ REDUCTASE DEFICIENCY. Identifiers: Orphanet 3208, MedGen C5700310, MONDO:0100294, OMIM 252011.

Submissions (2):

Myriad Genetics, Inc.
Classification: Benign for Pheochromocytoma/paraganglioma syndrome 5. Last evaluated: 2025-03-03. Review status: criteria provided, single submitter. Criteria: Myriad Autosomal Dominant, Autosomal Recessive and X-Linked Classification Criteria (2023). Collection method: clinical testing. Allele origin: unknown.
Comment: This variant is considered benign. This variant is a silent/synonymous amino acid change and it is not expected to impact splicing.

Labcorp Genetics (formerly Invitae), Labcorp
Classification: Likely benign for Pheochromocytoma/paraganglioma syndrome 5; Mitochondrial complex II deficiency, nuclear type 1. Last evaluated: 2019-06-22. Review status: criteria provided, single submitter. Criteria: Invitae Variant Classification Sherloc (09022015). Collection method: clinical testing. Allele origin: germline.